The following is an entry in ClinVar:

NM_001080453.3(INTS1):c.1716G>A (p.Leu572=)

Gene: INTS1 (integrator complex subunit 1; minus strand). Cytogenetic location: 7p22.3.
Variant type: single nucleotide variant.
Coding change: c.1716G>A on transcript NM_001080453.3 (MANE Select); coding-DNA position 1716, G replaced by A.
Protein change: p.Leu572=; no amino-acid change (leucine 572 retained).
Molecular consequence: synonymous variant.
Genome position (GRCh38, 1-based): chr7:1,495,549, C>T on the plus strand (G>A on the coding strand, the complement: INTS1 is on the minus strand). VCF-style: chr7-1495549-C-T. GRCh37 (hg19) VCF-style: chr7-1535185-C-T.
Identifiers: ClinVar variation 723612 (VCV000723612.29), dbSNP rs143689649, ClinGen allele CA4120166.
Genomic context (GRCh38, chr7:1,495,549, plus strand): 5'-CCACCAGACGGCATCCCGCTGGATGGCGGCAATCTGGTTCTGGAATGAGCGGAGCACTTC[C>T]AGGTCTGAAACAGACACGCAGCTTAGTGGCCCATCCGAGCCATGGGCCATGAGGGGCTAA-3'
Protein context (NP_001073922.2, residues 562-582): IAWDKGEKRN[Leu572=]EVLRSFQNQI

ClinVar aggregate classification (germline): Benign/Likely benign. Review status: criteria provided, multiple submitters, no conflicts (2 of 4 stars). 3 submissions from 3 submitters: Benign (1); Likely benign (2). Last evaluated 2026-06-01.

Allele frequency attached by ClinVar (database versions not stated): 1000 Genomes Project 30x 0.00078; 1000 Genomes Project 0.00080; TOPMed 0.00119; gnomAD 0.00150 and 0.00162; ESP Exome Variant Server 0.00204; gnomAD exomes 0.00228 and 0.00286; ExAC 0.00276.
gnomAD v4.1: 4,354 of 1,609,688 alleles (0.27%); highest among the groups gnomAD compares: South Asian, 0.78%; 16 homozygotes.

Submissions (3):

CeGaT Center for Human Genetics Tuebingen
Classification: Likely benign. Last evaluated: 2026-06-01. Review status: criteria provided, single submitter. Criteria: CeGaT Center For Human Genetics Tuebingen Variant Classification Criteria Version 2. Collection method: clinical testing. Allele origin: germline. Affected: yes. Observed: 3 variant alleles.
Comment: INTS1: BP4, BP7, BS2

Blueprint Genetics
Classification: Likely benign. Last evaluated: 2024-10-28. Review status: criteria provided, single submitter. Criteria: ACMG Guidelines, 2015. Collection method: clinical testing. Allele origin: germline.

Labcorp Genetics (formerly Invitae), Labcorp
Classification: Benign. Last evaluated: 2019-12-31. Review status: criteria provided, single submitter. Criteria: Invitae Variant Classification Sherloc (09022015). Collection method: clinical testing. Allele origin: germline.